The following is an entry in ClinVar:

ClinVar aggregate classification (germline): Pathogenic (1 of 4 stars; one submission).

Conditions:
Neuronal ceroid lipofuscinosis. Also called: Neuronal Ceroid Lipofuscinoses. Identifiers: Orphanet 216, Orphanet 79263, MedGen C0027877, MONDO:0016295. Disease mechanism: loss of function.

Submission:

Labcorp Genetics (formerly Invitae), Labcorp
Classification: Pathogenic for Neuronal ceroid lipofuscinosis. Last evaluated: 2025-02-10. Review status: criteria provided, single submitter. Criteria: Invitae Variant Classification Sherloc (09022015). Collection method: clinical testing. Allele origin: germline.
Comment: This sequence change creates a premature translational stop signal (p.Tyr257*) in the CLN5 gene. While this is not anticipated to result in nonsense mediated decay, it is expected to disrupt the last 151 amino acid(s) of the CLN5 protein. This variant is not present in population databases (gnomAD no frequency). This variant has not been reported in the literature in individuals affected with CLN5-related conditions. ClinVar contains an entry for this variant (Variation ID: 2090100). This variant disrupts a region of the CLN5 protein in which other variant(s) (p.Tyr392*) have been determined to be pathogenic (PMID: 9662406). This suggests that this is a clinically significant region of the protein, and that variants that disrupt it are likely to be disease-causing. For these reasons, this variant has been classified as Pathogenic.

Literature cited by the submitters: PubMed 9662406.

NM_006493.4(CLN5):c.623_627del (p.Ile207_Tyr208insTer)

Gene: CLN5 (CLN5 lysosomal BMP synthase; plus strand). Cytogenetic location: 13q22.3.
Variant type: Deletion.
Coding change: c.623_627del on transcript NM_006493.4 (MANE Select); coding-DNA positions 623 to 627, 5 bases deleted (ATTAT; older notation c.623_627delATTAT).
Protein change: p.Ile207_Tyr208insTer.
Molecular consequence: nonsense. On other transcripts: 3 prime UTR variant (1).
Genome position (GRCh38, 1-based): chr13:77,000,515-77,000,519, ATTAT deleted; deleting any 5 consecutive bases within chr13:77,000,514-77,000,519 gives the same sequence; the c. name uses the placement nearest the transcript's 3' end. VCF-style (leftmost placement, unchanged base first): chr13-77000513-TTATTA-T. GRCh37 (hg19) VCF-style: chr13-77574648-TTATTA-T.
Other names: c.*72_*76del (NM_001366624.2).
Identifiers: ClinVar variation 2090100 (VCV002090100.4), dbSNP rs2501154926, ClinGen allele CA2580087768.